The following is an entry in ClinVar:

ClinVar aggregate classification (germline): Uncertain significance (1 of 4 stars; one submission).

Allele frequency attached by ClinVar (database versions not stated): ExAC 0.00001; gnomAD exomes below 0.00001; TOPMed 0.00001.
gnomAD v4.1: 2 of 1,613,972 alleles (0.00012%); highest among the groups gnomAD compares: African/African-American, 0.0027%; no homozygotes.

Submission:

Labcorp Genetics (formerly Invitae), Labcorp
Classification: Uncertain significance. Last evaluated: 2025-05-22. Review status: criteria provided, single submitter. Criteria: Invitae Variant Classification Sherloc (09022015). Collection method: clinical testing. Allele origin: germline.
Comment: This sequence change replaces tyrosine, which is neutral and polar, with cysteine, which is neutral and slightly polar, at codon 312 of the MICAL1 protein (p.Tyr312Cys). This variant is not present in population databases (gnomAD no frequency). This variant has not been reported in the literature in individuals affected with MICAL1-related conditions. ClinVar contains an entry for this variant (Variation ID: 2784430). An algorithm developed to predict the effect of missense changes on protein structure and function (PolyPhen-2) suggests that this variant is likely to be disruptive. In summary, the available evidence is currently insufficient to determine the role of this variant in disease. Therefore, it has been classified as a Variant of Uncertain Significance.

NM_022765.4(MICAL1):c.878A>G (p.Tyr293Cys)

Gene: MICAL1 (microtubule associated monooxygenase, calponin and LIM domain containing 1; minus strand). Cytogenetic location: 6q21.
Variant type: single nucleotide variant.
Coding change: c.878A>G on transcript NM_022765.4 (MANE Select); coding-DNA position 878, A replaced by G.
Protein change: p.Tyr293Cys; replaces tyrosine 293 with cysteine.
Molecular consequence: missense variant.
Genome position (GRCh38, 1-based): chr6:109,451,655, T>C on the plus strand (A>G on the coding strand, the complement: MICAL1 is on the minus strand). VCF-style: chr6-109451655-T-C. GRCh37 (hg19) VCF-style: chr6-109772858-T-C.
Other names: c.878A>G, p.Tyr293Cys (NM_001159291.2); c.935A>G, p.Tyr312Cys (NM_001286613.2); short protein forms Y293C, Y312C.
Identifiers: ClinVar variation 2784430 (VCV002784430.3), dbSNP rs766021284, ClinGen allele CA3953572.